The following is an entry in ClinVar:

NM_207361.6(FREM2):c.4726C>G (p.Pro1576Ala)

Gene: FREM2 (FRAS1 related extracellular matrix 2; plus strand). Cytogenetic location: 13q13.3.
Variant type: single nucleotide variant.
Coding change: c.4726C>G on transcript NM_207361.6 (MANE Select); coding-DNA position 4726, C replaced by G.
Protein change: p.Pro1576Ala; replaces proline 1576 with alanine.
Molecular consequence: missense variant.
Genome position (GRCh38, 1-based): chr13:38,692,070, C>G. VCF-style: chr13-38692070-C-G. GRCh37 (hg19) VCF-style: chr13-39266207-C-G.
Other names: short protein forms P1576A.
Identifiers: ClinVar variation 311980 (VCV000311980.17), dbSNP rs116742938, ClinGen allele CA6955062.

ClinVar aggregate classification (germline): Benign. Review status: criteria provided, multiple submitters, no conflicts (2 of 4 stars). 4 submissions from 4 submitters: Benign (3). 1 of the submissions does not count toward it. Last evaluated 2026-02-04.

Conditions:
FREM2-related disorder. Also called: FREM2-related condition.
Fraser syndrome 2 (FRASRS2). Identifiers: MedGen C4540036, MONDO:0054738, OMIM 617666.

Allele frequency attached by ClinVar (database versions not stated): gnomAD exomes 0.00036 and 0.00100; ExAC 0.00142; gnomAD 0.00375 and 0.00406; ESP Exome Variant Server 0.00377; TOPMed 0.00410; 1000 Genomes Project 0.00499; 1000 Genomes Project 30x 0.00531.
gnomAD v4.1: 1,117 of 1,614,156 alleles (0.069%); highest among the groups gnomAD compares: African/African-American, 1.3%; 12 homozygotes.

Submissions (4):

Labcorp Genetics (formerly Invitae), Labcorp
Classification: Benign. Last evaluated: 2026-02-04. Review status: criteria provided, single submitter. Criteria: Invitae Variant Classification Sherloc (09022015). Collection method: clinical testing. Allele origin: germline.

Illumina Laboratory Services, Illumina
Classification: Benign for Fraser syndrome 2. Last evaluated: 2018-01-12. Review status: criteria provided, single submitter. Criteria: ICSL Variant Classification Criteria 13 December 2019. Collection method: clinical testing. Allele origin: germline.
Comment: This variant was observed in the ICSL laboratory as part of a predisposition screen in an ostensibly healthy population. It had not been previously curated by ICSL or reported in the Human Gene Mutation Database (HGMD: prior to June 1st, 2018), and was therefore a candidate for classification through an automated scoring system. Utilizing variant allele frequency, disease prevalence and penetrance estimates, and inheritance mode, an automated score was calculated to assess if this variant is too frequent to cause the disease. Based on the score and internal cut-off values, a variant classified as benign is not then subjected to further curation. The score for this variant resulted in a classification of benign for this disease.

Breakthrough Genomics
Classification: Benign. Review status: criteria provided, single submitter. Criteria: ACMG Guidelines, 2015. Collection method: not provided. Allele origin: germline. Inheritance: Autosomal recessive inheritance. Affected: yes.

PreventionGenetics, part of Exact Sciences
Classification: Benign for FREM2-related condition. Last evaluated: 2020-11-24. Review status: no assertion criteria provided. Collection method: clinical testing. Allele origin: germline. Not counted in ClinVar's aggregate classification.
Comment: This variant is classified as benign based on ACMG/AMP sequence variant interpretation guidelines (Richards et al. 2015 PMID: 25741868, with internal and published modifications).